The following is an entry in ClinVar:

ClinVar aggregate classification (germline): Uncertain significance (1 of 4 stars; one submission).

Conditions:
Rhabdoid tumor predisposition syndrome 2 (RTPS2). Identifiers: Orphanet 231108, Orphanet 69077, MedGen C2750074, MONDO:0013224, OMIM 613325.

Submission:

Labcorp Genetics (formerly Invitae), Labcorp
Classification: Uncertain significance for Rhabdoid tumor predisposition syndrome 2. Last evaluated: 2022-10-11. Review status: criteria provided, single submitter. Criteria: Invitae Variant Classification Sherloc (09022015). Collection method: clinical testing. Allele origin: germline.
Comment: In summary, the available evidence is currently insufficient to determine the role of this variant in disease. Therefore, it has been classified as a Variant of Uncertain Significance. Advanced modeling of protein sequence and biophysical properties (such as structural, functional, and spatial information, amino acid conservation, physicochemical variation, residue mobility, and thermodynamic stability) performed at Invitae indicates that this missense variant is not expected to disrupt SMARCA4 protein function. This variant has not been reported in the literature in individuals affected with SMARCA4-related conditions. This variant is not present in population databases (gnomAD no frequency). This sequence change replaces serine, which is neutral and polar, with cysteine, which is neutral and slightly polar, at codon 226 of the SMARCA4 protein (p.Ser226Cys).

NM_003072.5(SMARCA4):c.677C>G (p.Ser226Cys)

Gene: SMARCA4 (SWI/SNF related BAF chromatin remodeling complex subunit ATPase 4; plus strand). Cytogenetic location: 19p13.2.
Variant type: single nucleotide variant.
Coding change: c.677C>G on transcript NM_003072.5 (MANE Select); coding-DNA position 677, C replaced by G.
Protein change: p.Ser226Cys; replaces serine 226 with cysteine.
Molecular consequence: missense variant. On other transcripts: non-coding transcript variant (1).
Genome position (GRCh38, 1-based): chr19:10,986,510, C>G. VCF-style: chr19-10986510-C-G. GRCh37 (hg19) VCF-style: chr19-11097186-C-G.
Other names: c.677C>G, p.Ser226Cys (NM_001128844.3, NM_001128845.2, NM_001128846.2 and 6 more transcripts); short protein forms S226C.
Identifiers: ClinVar variation 2113178 (VCV002113178.4), dbSNP rs2145782883, ClinGen allele CA404056944.
Genomic context (GRCh38, chr19:10,986,510, plus strand): 5'-GCAAGCGGCCGATGCCCGGGATGCAGCAGCAGATGCCAACGCTACCTCCACCCTCGGTGT[C>G]CGCAACAGGACCCGGCCCTGGCCCTGGCCCTGGCCCCGGCCCGGGTCCCGGCCCGGCACC-3'
Protein context (NP_003063.2, residues 216-236): QMPTLPPPSV[Ser226Cys]ATGPGPGPGP